The following is an entry in ClinVar:

ClinVar aggregate classification (germline): Conflicting classifications of pathogenicity. Review status: criteria provided, conflicting classifications (1 of 4 stars). 6 submissions from 6 submitters: Pathogenic (1); Likely pathogenic (3); Uncertain significance (2). Last evaluated 2025-10-18.

Conditions:
TELO2-related intellectual disability-neurodevelopmental disorder. Also called: You-Hoover-Fong syndrome. Identifiers: Orphanet 488642, MedGen C4310778, MONDO:0014848, OMIM 616954.
TELO2-related disorder. Also called: TELO2-related condition.

Allele frequency attached by ClinVar (database versions not stated): 1000 Genomes Project 0.00020; ExAC below 0.00001; gnomAD exomes 0.00003 and 0.00012; gnomAD 0.00006; TOPMed 0.00006; 1000 Genomes Project 30x 0.00016.
gnomAD v4.1: 191 of 1,584,298 alleles (0.012%); highest among the groups gnomAD compares: Non-Finnish European, 0.015%; no homozygotes.

Submissions (6):

GeneDx
Classification: Likely pathogenic. Last evaluated: 2025-10-18. Review status: criteria provided, single submitter. Criteria: GeneDx Variant Classification Process June 2021. Collection method: clinical testing. Allele origin: germline. Affected: yes.
Comment: In silico analysis suggests that this missense variant does not alter protein structure/function; This variant is associated with the following publications: (PMID: 39704248, 36797513, 33149276, 35586607)

Blueprint Genetics
Classification: Likely pathogenic for TELO2-related disorders. Last evaluated: 2024-11-01. Review status: criteria provided, single submitter. Criteria: ACMG Guidelines, 2015. Collection method: clinical testing. Allele origin: germline. Affected: yes. Observed: 5 variant alleles.

Victorian Clinical Genetics Services, Murdoch Childrens Research Institute
Classification: Pathogenic for TELO2-related intellectual disability-neurodevelopmental disorder. Last evaluated: 2024-10-20. Review status: criteria provided, single submitter. Criteria: ACMG Guidelines, 2015. Collection method: clinical testing. Allele origin: germline. Affected: yes.
Comment: This variant is classified as Pathogenic. Evidence in support of pathogenic classification: Variant is present in gnomAD (v4) <0.01 for a recessive condition (191 heterozygotes, 0 homozygotes); This variant has strong previous evidence of pathogenicity in unrelated individuals. This variant has been classified as likely pathogenic by a clinical laboratory in ClinVar, and has also been identified in multiple individuals with TELO2-related disorders, where the variant was observed in trans with other likely pathogenic TELO2 variants (DECIPHER, GeneDx personal correspondence). This variant has also been classified as a VUS in a homozygous individual (DECIPHER). In the literature this variant has been reported in six compound heterozygous or assumed compound heterozygous individuals with You-Hoover-Fong syndrome (PMID: 36797513). Additional information: Variant is predicted to result in a missense amino acid change from glycine to aspartic acid; This variant is heterozygous; This gene is associated with autosomal recessive disease; An alternative amino acid change at the same position has been observed in gnomAD (v4) (1 heterozygote(s), 0 homozygote(s)); No published functional evidence has been identified for this variant; No comparable missense variants have previous evidence for pathogenicity; Variant is not located in an established domain, motif, hotspot or informative constraint region; Missense variant with conflicting in silico predictions and uninformative conservation; Loss of function is a known mechanism of disease in this gene and is associated with You-Hoover-Fong syndrome (MIM#616954); Heterozygous variant detected in trans with a likely PATHOGENIC heterozygous variant,NM_016111.4(TELO2):c.1772T>G; p.(Val591Gly), in a recessive disease.

Revvity Omics, Revvity
Classification: Likely pathogenic for TELO2-related intellectual disability-neurodevelopmental disorder. Last evaluated: 2024-03-28. Review status: criteria provided, single submitter. Criteria: ACMG Guidelines, 2015. Collection method: clinical testing. Allele origin: germline.

Labcorp Genetics (formerly Invitae), Labcorp
Classification: Uncertain significance. Last evaluated: 2022-04-28. Review status: criteria provided, single submitter. Criteria: Invitae Variant Classification Sherloc (09022015). Collection method: clinical testing. Allele origin: germline.
Comment: This sequence change replaces glycine, which is neutral and non-polar, with aspartic acid, which is acidic and polar, at codon 131 of the TELO2 protein (p.Gly131Asp). This variant is present in population databases (rs187225056, gnomAD 0.02%). This variant has not been reported in the literature in individuals affected with TELO2-related conditions. ClinVar contains an entry for this variant (Variation ID: 419090). Algorithms developed to predict the effect of missense changes on protein structure and function are either unavailable or do not agree on the potential impact of this missense change (SIFT: "Deleterious"; PolyPhen-2: "Benign"; Align-GVGD: "Class C0"). In summary, the available evidence is currently insufficient to determine the role of this variant in disease. Therefore, it has been classified as a Variant of Uncertain Significance.

UNC Molecular Genetics  Laboratory, University of North Carolina at Chapel Hill
Classification: Uncertain significance for You-Hoover-Fong syndrome. Review status: criteria provided, single submitter. Criteria: ACMG Guidelines, 2015. Collection method: research. Allele origin: germline. Observed: 1 variant allele. Study: CSER_NCGENES_2.
Comment: The TELO2 c.392G>A p.G131D missense variant of uncertain significance is predicted to change a single amino acid from glycine to aspartic acid.

Literature cited by the submitters: PubMed 36797513 (cited by Victorian Clinical Genetics Services, Murdoch Childrens Research Institute).

NM_016111.4(TELO2):c.392G>A (p.Gly131Asp)

Gene: TELO2 (telomere maintenance 2; plus strand). Cytogenetic location: 16p13.3.
Variant type: single nucleotide variant.
Coding change: c.392G>A on transcript NM_016111.4 (MANE Select); coding-DNA position 392, G replaced by A.
Protein change: p.Gly131Asp; replaces glycine 131 with aspartic acid.
Molecular consequence: missense variant.
Genome position (GRCh38, 1-based): chr16:1,495,402, G>A. VCF-style: chr16-1495402-G-A. GRCh37 (hg19) VCF-style: chr16-1545403-G-A.
Other names: c.392G>A, p.Gly131Asp (NM_001351846.2); short protein forms G131D.
Identifiers: ClinVar variation 419090 (VCV000419090.14), dbSNP rs187225056, ClinGen allele CA7811624.